The following is an entry in ClinVar:

ClinVar aggregate classification (germline): Uncertain significance (1 of 4 stars; one submission).

Conditions:
Peroxisome biogenesis disorder, complementation group K (CGK). Identifiers: MedGen C1866257, MONDO:0800365.

Allele frequency attached by ClinVar (database versions not stated): gnomAD exomes below 0.00001; ExAC 0.00001.
gnomAD v4.1: 4 of 1,613,960 alleles (0.00025%); highest among the groups gnomAD compares: Admixed American, 0.0017%; no homozygotes.

Submission:

Labcorp Genetics (formerly Invitae), Labcorp
Classification: Uncertain significance for Peroxisome biogenesis disorder, complementation group K. Last evaluated: 2022-06-24. Review status: criteria provided, single submitter. Criteria: Invitae Variant Classification Sherloc (09022015). Collection method: clinical testing. Allele origin: germline.
Comment: This sequence change replaces proline, which is neutral and non-polar, with serine, which is neutral and polar, at codon 239 of the PEX14 protein (p.Pro239Ser). In summary, the available evidence is currently insufficient to determine the role of this variant in disease. Therefore, it has been classified as a Variant of Uncertain Significance. Algorithms developed to predict the effect of missense changes on protein structure and function (SIFT, PolyPhen-2, Align-GVGD) all suggest that this variant is likely to be tolerated. This variant has not been reported in the literature in individuals affected with PEX14-related conditions. This variant is present in population databases (rs745559681, gnomAD 0.003%).

NM_004565.3(PEX14):c.715C>T (p.Pro239Ser)

Gene: PEX14 (peroxisomal biogenesis factor 14; plus strand). Cytogenetic location: 1p36.22.
Variant type: single nucleotide variant.
Coding change: c.715C>T on transcript NM_004565.3 (MANE Select); coding-DNA position 715, C replaced by T.
Protein change: p.Pro239Ser; replaces proline 239 with serine.
Molecular consequence: missense variant.
Genome position (GRCh38, 1-based): chr1:10,629,568, C>T. VCF-style: chr1-10629568-C-T. GRCh37 (hg19) VCF-style: chr1-10689625-C-T.
Other names: short protein forms P239S.
Identifiers: ClinVar variation 1519777 (VCV001519777.8), dbSNP rs745559681, ClinGen allele CA583953.